The following is an entry in ClinVar:

NM_001008537.3(NEXMIF):c.3996A>G (p.Arg1332=)

Gene: NEXMIF (neurite extension and migration factor; minus strand). Cytogenetic location: Xq13.3.
Variant type: single nucleotide variant.
Coding change: c.3996A>G on transcript NM_001008537.3 (MANE Select); coding-DNA position 3996, A replaced by G.
Protein change: p.Arg1332=; no amino-acid change (arginine 1332 retained).
Molecular consequence: synonymous variant.
Genome position (GRCh38, 1-based): chrX:74,740,561, T>C on the plus strand (A>G on the coding strand, the complement: NEXMIF is on the minus strand). VCF-style: chrX-74740561-T-C. GRCh37 (hg19) VCF-style: chrX-73960396-T-C.
Identifiers: ClinVar variation 4887330 (VCV004887330.2).

ClinVar aggregate classification (germline): Likely benign. Review status: criteria provided, multiple submitters, no conflicts (2 of 4 stars). 2 submissions from 2 submitters: Likely benign (2). Last evaluated 2026-06-11.

gnomAD v4.1: 5 of 1,211,735 alleles (0.00041%); highest among the groups gnomAD compares: South Asian, 0.0088%; no homozygotes.

Submissions (2):

Women's Health and Genetics/Laboratory Corporation of America, LabCorp
Classification: Likely benign. Last evaluated: 2026-06-11. Review status: criteria provided, single submitter. Criteria: LabCorp Variant Classification Summary - May 2015. Collection method: clinical testing. Allele origin: germline.
Comment: Variant summary: NEXMIF c.3996A>G alters a conserved nucleotide resulting in a synonymous change. Consensus agreement among computation tools predict no significant impact on normal splicing. However, these predictions have yet to be confirmed by functional studies. The variant allele was found at a frequency of 4.1e-06 in 1211735 control chromosomes. The available data on variant occurrences in the general population are insufficient to allow any conclusion about variant significance. To our knowledge, no occurrence of c.3996A>G in individuals affected with NEXMIF-related conditions and no experimental evidence demonstrating its impact on protein function have been reported. No submitters have cited clinical-significance assessments for this variant to ClinVar. Based on the evidence outlined above, the variant was classified as likely benign.

Blueprint Genetics
Classification: Likely benign. Last evaluated: 2023-04-18. Review status: criteria provided, single submitter. Criteria: ACMG Guidelines, 2015. Collection method: clinical testing. Allele origin: germline.